The following is an entry in ClinVar:

NM_001001548.3(CD36):c.430-2A>G

Gene: CD36 (CD36 molecule (CD36 blood group); plus strand). Cytogenetic location: 7q21.11.
Variant type: single nucleotide variant.
Coding change: c.430-2A>G on transcript NM_001001548.3 (MANE Select); the canonical splice acceptor site of the intron before coding-DNA position 430, A replaced by G.
Molecular consequence: splice acceptor variant. On other transcripts: 5 prime UTR variant (1), intron variant (1).
Genome position (GRCh38, 1-based): chr7:80,662,988, A>G. VCF-style: chr7-80662988-A-G. GRCh37 (hg19) VCF-style: chr7-80292304-A-G.
Other names: NC_000007.13:g.80292304A>G; c.430-2A>G (NM_001001548.2, NM_001371075.1, NM_001001547.3 and 7 more transcripts); c.-38A>G (NM_001371081.1); c.202-2A>G (NM_001289911.2); c.-36-2A>G (NM_001371080.1); c.328-2A>G (NM_001371079.1); c.430-1418A>G (NM_001289909.1).
Identifiers: ClinVar variation 632009 (VCV000632009.9), dbSNP rs3211901, ClinGen allele CA4315193.
Genomic context (GRCh38, chr7:80,662,988, plus strand): 5'-CCATTTATTTGTTAAAATCTAATATTGTATTCTTGTCTTAAACAGTGACTTTGTTTTTGT[A>G]GGCTGCATCCCATATCTATCAAAATCAATTTGTTCAAATGATCCTCAATTCACTTATTAA-3'

ClinVar aggregate classification (germline): Likely pathogenic. Review status: criteria provided, multiple submitters, no conflicts (2 of 4 stars). 4 submissions from 4 submitters: Likely pathogenic (4). Last evaluated 2026-06-18.

Conditions:
CD36-related disorder. Also called: CD36-related condition; CD36-related disorders.
Malaria, susceptibility to. Identifiers: Orphanet 673, MedGen C1970028, MONDO:0021024, OMIM 611162.
Platelet-type bleeding disorder 10. Also called: CD36 DEFICIENCY. Identifiers: MedGen C1842090, MONDO:0012031, OMIM 608404.
Coronary heart disease, susceptibility to, 7. Identifiers: MedGen C1970441, MONDO:0012585, OMIM 610938.

Allele frequency attached by ClinVar (database versions not stated): ESP Exome Variant Server 0.00008; ExAC 0.00012; gnomAD exomes 0.00013 and 0.00026; TOPMed 0.00014; 1000 Genomes Project 0.00020.
gnomAD v4.1: 384 of 1,608,466 alleles (0.024%); highest among the groups gnomAD compares: Non-Finnish European, 0.031%; no homozygotes.

Submissions (5):

PreventionGenetics, part of Exact Sciences
Classification: Likely pathogenic for CD36-related condition. Last evaluated: 2026-06-18. Review status: criteria provided, single submitter. Criteria: ACMG Guidelines, 2015. Collection method: clinical testing. Allele origin: germline.
Comment: The CD36 c.430-2A>G variant is predicted to disrupt the AG splice acceptor site and interfere with normal splicing. To our knowledge, this variant has not been reported to be associated with disease in the literature. This variant is reported in 0.023% of alleles in individuals of European (Non-Finnish) descent in gnomAD. Variants that disrupt consensus splice acceptor sites in CD36 are expected to be pathogenic, and an alternate nucleotide changes affecting the same acceptor has been reported in individuals with CD36 deficiency (c.430-1G>C, Li et al. 2020. PubMed ID: 33283742). Taken together, the c.430-2A>G variant is interpreted as likely pathogenic.

Fulgent Genetics
Classification: Likely pathogenic for Platelet-type bleeding disorder 10; Coronary heart disease, susceptibility to, 7; Malaria, susceptibility to. Last evaluated: 2024-01-03. Review status: criteria provided, single submitter. Criteria: ACMG Guidelines, 2015. Collection method: clinical testing. Allele origin: germline.

Department of Pathology and Laboratory Medicine, Sinai Health System
Classification: Likely pathogenic for Platelet-type bleeding disorder 10. Last evaluated: 2023-09-18. Review status: criteria provided, single submitter. Criteria: ACMG Guidelines, 2015. Collection method: research. Allele origin: germline.

Baylor Genetics
Classification: Likely pathogenic for Platelet-type bleeding disorder 10. Last evaluated: 2021-06-16. Review status: criteria provided, single submitter. Criteria: ACMG Guidelines, 2015. Collection method: clinical testing. Allele origin: unknown.

Dr. Peter K. Rogan Lab, Western University
No classification provided (evidence only). Condition: Melanoma. Review status: no classification provided. Collection method: in vitro. Allele origin: not applicable. Functional consequence: skipped exon. Not counted in ClinVar's aggregate classification.